The following is an entry in ClinVar:

ClinVar aggregate classification (germline): Likely pathogenic (1 of 4 stars; one submission).

Conditions:
Sjögren-Larsson syndrome (SLS). Also called: FATTY ALCOHOL:NAD+ OXIDOREDUCTASE DEFICIENCY; FATTY ALDEHYDE DEHYDROGENASE DEFICIENCY; ICHTHYOSIS, SPASTIC NEUROLOGIC DISORDER, AND OLIGOPHRENIA; FALDH DEFICIENCY. Identifiers: Orphanet 816, MedGen C0037231, MONDO:0010031, OMIM 270200.

Submission:

Myriad Genetics, Inc.
Classification: Likely pathogenic for Sjögren-Larsson syndrome. Last evaluated: 2019-05-19. Review status: criteria provided, single submitter. Criteria: Myriad Women's Health Autosomal Recessive and X-Linked Classification Criteria (2019). Collection method: clinical testing. Allele origin: unknown.
Comment: NM_000382.2(ALDH3A2):c.1000G>T(G334*) is expected to be pathogenic in the context of Sjogren-Larsson syndrome. This variant is predicted to lead to an abnormal or absent protein product due to the creation of a premature termination codon in ALDH3A2, a gene where loss-of-function variants are known to be pathogenic. Please note: this variant was assessed in the context of healthy population screening.

NM_000382.3(ALDH3A2):c.1000G>T (p.Gly334Ter)

Gene: ALDH3A2 (aldehyde dehydrogenase 3 family member A2; plus strand). Cytogenetic location: 17p11.2.
Variant type: single nucleotide variant.
Coding change: c.1000G>T on transcript NM_000382.3 (MANE Select); coding-DNA position 1000, G replaced by T.
Protein change: p.Gly334Ter; replaces glycine 334 with a stop codon.
Molecular consequence: nonsense.
Genome position (GRCh38, 1-based): chr17:19,663,392, G>T. VCF-style: chr17-19663392-G-T. GRCh37 (hg19) VCF-style: chr17-19566705-G-T.
Other names: c.1000G>T, p.Gly334Ter (NM_001031806.2, NM_001369136.1, NM_001369137.2 and 3 more transcripts); c.421G>T, p.Gly141Ter (NM_001369148.2); short protein forms G141*, G334*.
Identifiers: ClinVar variation 983975 (VCV000983975.3), dbSNP rs112346474, ClinGen allele CA398709969.